The following is an entry in ClinVar:

NM_007186.6(CEP250):c.6584T>C (p.Met2195Thr)

Gene: CEP250 (centrosomal protein 250; plus strand). Cytogenetic location: 20q11.22.
Variant type: single nucleotide variant.
Coding change: c.6584T>C on transcript NM_007186.6 (MANE Select); coding-DNA position 6584, T replaced by C.
Protein change: p.Met2195Thr; replaces methionine 2195 with threonine.
Molecular consequence: missense variant.
Genome position (GRCh38, 1-based): chr20:35,504,953, T>C. VCF-style: chr20-35504953-T-C. GRCh37 (hg19) VCF-style: chr20-34092781-T-C.
Other names: c.4688T>C, p.Met1563Thr (NM_001318219.1); short protein forms M1563T, M2195T.
Identifiers: ClinVar variation 2777285 (VCV002777285.3), dbSNP rs893073519, ClinGen allele CA314162001.

ClinVar aggregate classification (germline): Uncertain significance (1 of 4 stars; one submission).

Allele frequency attached by ClinVar (database versions not stated): gnomAD 0.00001; TOPMed 0.00001.
gnomAD v4.1: 1 of 1,613,790 alleles (0.000062%); highest among the groups gnomAD compares: African/African-American, 0.0013%; no homozygotes.

Submission:

Labcorp Genetics (formerly Invitae), Labcorp
Classification: Uncertain significance. Last evaluated: 2023-01-12. Review status: criteria provided, single submitter. Criteria: Invitae Variant Classification Sherloc (09022015). Collection method: clinical testing. Allele origin: germline.
Comment: In summary, the available evidence is currently insufficient to determine the role of this variant in disease. Therefore, it has been classified as a Variant of Uncertain Significance. Algorithms developed to predict the effect of missense changes on protein structure and function are either unavailable or do not agree on the potential impact of this missense change (SIFT: "Not Available"; PolyPhen-2: "Benign"; Align-GVGD: "Not Available"). This variant has not been reported in the literature in individuals affected with CEP250-related conditions. This variant is not present in population databases (gnomAD no frequency). This sequence change replaces methionine, which is neutral and non-polar, with threonine, which is neutral and polar, at codon 2195 of the CEP250 protein (p.Met2195Thr).